The following is an entry in ClinVar:

NM_004958.4(MTOR):c.3802-5C>T

Gene: MTOR (mechanistic target of rapamycin kinase; minus strand). Cytogenetic location: 1p36.22.
Variant type: single nucleotide variant.
Coding change: c.3802-5C>T on transcript NM_004958.4 (MANE Select); 5 bases into the intron before coding-DNA position 3802, C replaced by T.
Molecular consequence: intron variant.
Genome position (GRCh38, 1-based): chr1:11,204,708, G>A on the plus strand (C>T on the coding strand, the complement: MTOR is on the minus strand). VCF-style: chr1-11204708-G-A. GRCh37 (hg19) VCF-style: chr1-11264765-G-A.
Other names: c.3802-5C>T (NM_004958.3, NM_001386500.1); c.2554-5C>T (NM_001386501.1).
Identifiers: ClinVar variation 1648119 (VCV001648119.9), dbSNP rs2100765525, ClinGen allele CA2573130708.

ClinVar aggregate classification (germline): Conflicting classifications of pathogenicity. Review status: criteria provided, conflicting classifications (1 of 4 stars). 2 submissions from 2 submitters: Uncertain significance (1); Likely benign (1). Last evaluated 2023-06-13.

Conditions:
Inborn genetic diseases. Identifiers: MedGen C0950123, MeSH D030342.

Allele frequency attached by ClinVar (database versions not stated): gnomAD exomes below 0.00001.
gnomAD v4.1: 1 of 1,613,470 alleles (0.000062%); highest among the groups gnomAD compares: Non-Finnish European, 0.000085%; no homozygotes.

Submissions (2):

Labcorp Genetics (formerly Invitae), Labcorp
Classification: Likely benign. Last evaluated: 2023-06-13. Review status: criteria provided, single submitter. Criteria: Invitae Variant Classification Sherloc (09022015). Collection method: clinical testing. Allele origin: germline.

Ambry Genetics
Classification: Uncertain significance for Inborn genetic diseases. Last evaluated: 2022-11-14. Review status: criteria provided, single submitter. Criteria: Ambry Variant Classification Scheme 2023. Collection method: clinical testing. Allele origin: germline.
Comment: The c.3802-5C>T intronic alteration consists of a C to T substitution 5 nucleotides before coding exon 25 in the MTOR gene. Based on insufficient or conflicting evidence, the clinical significance of this alteration remains unclear.